The following is an entry in ClinVar:

ClinVar aggregate classification (germline): Conflicting classifications of pathogenicity. Review status: criteria provided, conflicting classifications (1 of 4 stars). 11 submissions from 9 submitters: Uncertain significance (9); Benign (1). 1 of the submissions does not count toward it. Last evaluated 2026-01-30.

Conditions:
SLC4A1-related disorder. Also called: SLC4A1-related condition; SLC4A1-related disorders.
Hereditary spherocytosis type 4. Also called: SLC4A1-Related Spherocytosis. Identifiers: Orphanet 822, MedGen C2675212, MONDO:0012981, OMIM 612653.
Autosomal dominant distal renal tubular acidosis (DRTA1). Also called: RTA, CLASSIC TYPE; RTA, DISTAL TYPE, AUTOSOMAL DOMINANT; RTA, GRADIENT TYPE; Renal Tubular Acidosis, Type I; RENAL TUBULAR ACIDOSIS, DISTAL, 1. Identifiers: Orphanet 93608, MedGen CN280572, MONDO:0008368, OMIM 179800.
Hemolytic anemia. Identifiers: MedGen C0002878, MONDO:0003664, HP:0001878.

Allele frequency attached by ClinVar (database versions not stated): ExAC 0.00021; ESP Exome Variant Server 0.00023; gnomAD 0.00031 and 0.00030; 1000 Genomes Project 0.00040; 1000 Genomes Project 30x 0.00047; TOPMed 0.00051; gnomAD exomes 0.00024.
gnomAD v4.1: 462 of 1,613,888 alleles (0.029%); highest among the groups gnomAD compares: Admixed American, 0.04%; no homozygotes.

Submissions (11):

PreventionGenetics, part of Exact Sciences
Classification: Uncertain significance for SLC4A1-related condition. Last evaluated: 2026-01-30. Review status: criteria provided, single submitter. Criteria: ACMG Guidelines, 2015. Collection method: clinical testing. Allele origin: germline.
Comment: The SLC4A1 c.2701C>T variant is predicted to result in the amino acid substitution p.Arg901Trp. This variant has been reported in an individual with suspected hereditary spherocytosis; however, this individual also harbored a second SLC4A1 variant of uncertain significance (Glenthøj et al. 2021. PMID: 35845192). This variant is reported in 0.047% of alleles in individuals of European (non-Finnish) descent in gnomAD. At this time, the clinical significance of this variant is uncertain due to the absence of conclusive functional and genetic evidence.

Labcorp Genetics (formerly Invitae), Labcorp
Classification: Uncertain significance. Last evaluated: 2025-12-15. Review status: criteria provided, single submitter. Criteria: Invitae Variant Classification Sherloc (09022015). Collection method: clinical testing. Allele origin: germline.
Comment: This sequence change replaces arginine, which is basic and polar, with tryptophan, which is neutral and slightly polar, at codon 901 of the SLC4A1 protein (p.Arg901Trp). This variant is present in population databases (rs201265160, gnomAD 0.05%). This missense change has been observed in individual(s) with suspected hereditary spherocytosis (PMID: 35845192). ClinVar contains an entry for this variant (Variation ID: 64423). Invitae Evidence Modeling of protein sequence and biophysical properties (such as structural, functional, and spatial information, amino acid conservation, physicochemical variation, residue mobility, and thermodynamic stability) indicates that this missense variant is not expected to disrupt SLC4A1 protein function with a negative predictive value of 80%. In summary, the available evidence is currently insufficient to determine the role of this variant in disease. Therefore, it has been classified as a Variant of Uncertain Significance.

Mayo Clinic Laboratories, Mayo Clinic
Classification: Uncertain significance. Last evaluated: 2025-09-04. Review status: criteria provided, single submitter. Criteria: ACMG Guidelines, 2015. Collection method: clinical testing. Allele origin: germline. Observed: 3 variant alleles.
Comment: BP4

ARUP Laboratories, Molecular Genetics and Genomics, ARUP Laboratories
Classification: Uncertain significance. Last evaluated: 2025-04-30. Review status: criteria provided, single submitter. Criteria: ARUP Molecular Germline Variant Investigation Process 2024. Collection method: clinical testing. Allele origin: germline.
Comment: The SLC4A1 c.2701C>T; p.Arg901Trp variant (rs201265160), to our knowledge, is not reported in the medical literature but is reported in ClinVar (Variation ID: 64423). This variant is found in the non-Finnish European population with an allele frequency of 0.04% (61/129102 alleles) in the Genome Aggregation Database (v2.1.1). Computational analyses are uncertain whether this variant is neutral or deleterious (REVEL: 0.188). Due to limited information, the clinical significance of this variant is uncertain at this time.

Revvity Omics, Revvity
Classification: Uncertain significance. Last evaluated: 2024-10-25. Review status: criteria provided, single submitter. Criteria: ACMG Guidelines, 2015. Collection method: clinical testing. Allele origin: germline.

Johns Hopkins Genomics, Johns Hopkins University
Classification: Uncertain significance for Hereditary spherocytosis type 4. Last evaluated: 2024-06-17. Review status: criteria provided, single submitter. Criteria: ACMG Guidelines, 2015. Collection method: clinical testing. Allele origin: germline.
Comment: SLC4A1 c.2701C>T (rs201265160) is rare (<0.1%) in a large population dataset (gnomAD v4.1.0: 462/1613888 total alleles; 0.03%; no homozygotes), and has been reported in ClinVar (Variation ID 64423). Two bioinformatic tools queried predict that this substitution would be tolerated, but these algorithms have low specificity, especially for predicting gain of function or dominant negative variants. The evolutionary conservation of the arginine residue at this position is very poor across the species assessed. We consider the clinical significance of c.2701C>T in SLC4A1 to be uncertain at this time.

CeGaT Center for Human Genetics Tuebingen
Classification: Uncertain significance. Last evaluated: 2023-03-01. Review status: criteria provided, single submitter. Criteria: CeGaT Center For Human Genetics Tuebingen Variant Classification Criteria Version 2. Collection method: clinical testing. Allele origin: germline. Affected: yes. Observed: 3 variant alleles.
Comment: SLC4A1: PM2:Supporting, BP4

Illumina Laboratory Services, Illumina
Classification: Benign for Autosomal dominant distal renal tubular acidosis. Last evaluated: 2018-01-12. Review status: criteria provided, single submitter. Criteria: ICSL Variant Classification Criteria 13 December 2019. Collection method: clinical testing. Allele origin: germline.
Comment: This variant was observed in the ICSL laboratory as part of a predisposition screen in an ostensibly healthy population. It had not been previously curated by ICSL or reported in the Human Gene Mutation Database (HGMD: prior to June 1st, 2018), and was therefore a candidate for classification through an automated scoring system. Utilizing variant allele frequency, disease prevalence and penetrance estimates, and inheritance mode, an automated score was calculated to assess if this variant is too frequent to cause the disease. Based on the score and internal cut-off values, a variant classified as benign is not then subjected to further curation. The score for this variant resulted in a classification of benign for this disease.

Illumina Laboratory Services, Illumina
Classification: Uncertain significance for Hemolytic anemia. Last evaluated: 2018-01-12. Review status: criteria provided, single submitter. Criteria: ICSL Variant Classification Criteria 13 December 2019. Collection method: clinical testing. Allele origin: germline.

Illumina Laboratory Services, Illumina
Classification: Uncertain significance for Hereditary spherocytosis type 4. Last evaluated: 2018-01-12. Review status: criteria provided, single submitter. Criteria: ICSL Variant Classification Criteria 13 December 2019. Collection method: clinical testing. Allele origin: germline.

Martin Pollak Laboratory,  Beth Israel Deaconess Medical Center
Classification: Uncertain significance. Review status: no assertion criteria provided. Collection method: not provided. Allele origin: unknown. Not counted in ClinVar's aggregate classification.
Comment: Lower UCa2+ group
ClinVar note: Converted during submission from unknown to Uncertain significance.

Literature cited by the submitters: PubMed 35845192 (cited by 3 submitters); PubMed 36979763 (cited by Johns Hopkins Genomics, Johns Hopkins University); PubMed 9233560 (cited by Johns Hopkins Genomics, Johns Hopkins University).

NM_000342.4(SLC4A1):c.2701C>T (p.Arg901Trp)

Gene: SLC4A1 (solute carrier family 4 member 1 (Diego blood group); minus strand). Cytogenetic location: 17q21.31.
Variant type: single nucleotide variant.
Coding change: c.2701C>T on transcript NM_000342.4 (MANE Select); coding-DNA position 2701, C replaced by T.
Protein change: p.Arg901Trp; replaces arginine 901 with tryptophan.
Molecular consequence: missense variant.
Genome position (GRCh38, 1-based): chr17:44,250,493, G>A on the plus strand (C>T on the coding strand, the complement: SLC4A1 is on the minus strand). VCF-style: chr17-44250493-G-A. GRCh37 (hg19) VCF-style: chr17-42327861-G-A.
Other names: short protein forms R901W.
Identifiers: ClinVar variation 64423 (VCV000064423.63), dbSNP rs201265160, ClinGen allele CA216108.